The following is an entry in ClinVar:

NM_004341.5(CAD):c.6556C>T (p.Pro2186Ser)

Genes: CAD (carbamoyl-phosphate synthetase 2, aspartate transcarbamylase, and dihydroorotase; plus strand), LOC126806172 (CDK7 strongly-dependent group 2 enhancer GRCh37_chr2:27465505-27466704; plus strand). Cytogenetic location: 2p23.3.
Variant type: single nucleotide variant.
Coding change: c.6556C>T on transcript NM_004341.5 (MANE Select); coding-DNA position 6556, C replaced by T.
Protein change: p.Pro2186Ser; replaces proline 2186 with serine.
Molecular consequence: missense variant.
Genome position (GRCh38, 1-based): chr2:27,243,273, C>T. VCF-style: chr2-27243273-C-T. GRCh37 (hg19) VCF-style: chr2-27466141-C-T.
Other names: c.6367C>T, p.Pro2123Ser (NM_001306079.2); c.6556C>T (NM_004341.3); short protein forms P2123S, P2186S.
Identifiers: ClinVar variation 1373417 (VCV001373417.7), dbSNP rs1676413783, ClinGen allele CA346225336.

ClinVar aggregate classification (germline): Uncertain significance. Review status: criteria provided, multiple submitters, no conflicts (2 of 4 stars). 2 submissions from 2 submitters: Uncertain significance (2). Last evaluated 2023-06-13.

Conditions:
Inborn genetic diseases. Identifiers: MedGen C0950123, MeSH D030342.

Allele frequency attached by ClinVar (database versions not stated): gnomAD exomes 0.00002.
gnomAD v4.1: 24 of 1,614,070 alleles (0.0015%); highest among the groups gnomAD compares: Non-Finnish European, 0.002%; no homozygotes.

Submissions (2):

Ambry Genetics
Classification: Uncertain significance for Inborn genetic diseases. Last evaluated: 2023-06-13. Review status: criteria provided, single submitter. Criteria: Ambry Variant Classification Scheme 2023. Collection method: clinical testing. Allele origin: germline.

Labcorp Genetics (formerly Invitae), Labcorp
Classification: Uncertain significance. Last evaluated: 2021-08-24. Review status: criteria provided, single submitter. Criteria: Invitae Variant Classification Sherloc (09022015). Collection method: clinical testing. Allele origin: germline.
Comment: This sequence change replaces proline with serine at codon 2186 of the CAD protein (p.Pro2186Ser). The proline residue is highly conserved and there is a moderate physicochemical difference between proline and serine. This variant is not present in population databases (ExAC no frequency). This variant has not been reported in the literature in individuals affected with CAD-related conditions. Algorithms developed to predict the effect of missense changes on protein structure and function (SIFT, PolyPhen-2, Align-GVGD) all suggest that this variant is likely to be disruptive. In summary, the available evidence is currently insufficient to determine the role of this variant in disease. Therefore, it has been classified as a Variant of Uncertain Significance.

Literature cited by the submitters: PubMed 32461667 (cited by Ambry Genetics).